The following is an entry in ClinVar:

ClinVar aggregate classification (germline): Uncertain significance (1 of 4 stars; one submission).

Allele frequency attached by ClinVar (database versions not stated): gnomAD exomes 0.00001 and 0.00004; TOPMed 0.00001; ExAC 0.00002; gnomAD 0.00002.
gnomAD v4.1: 12 of 1,612,786 alleles (0.00074%); highest among the groups gnomAD compares: East Asian, 0.025%; no homozygotes.

Submission:

Labcorp Genetics (formerly Invitae), Labcorp
Classification: Uncertain significance. Last evaluated: 2025-01-23. Review status: criteria provided, single submitter. Criteria: Invitae Variant Classification Sherloc (09022015). Collection method: clinical testing. Allele origin: germline.
Comment: This sequence change replaces glutamine, which is neutral and polar, with proline, which is neutral and non-polar, at codon 459 of the GEN1 protein (p.Gln459Pro). This variant is present in population databases (rs763725122, gnomAD 0.05%). This variant has not been reported in the literature in individuals affected with GEN1-related conditions. ClinVar contains an entry for this variant (Variation ID: 1436278). An algorithm developed to predict the effect of missense changes on protein structure and function (PolyPhen-2) suggests that this variant is likely to be disruptive. In summary, the available evidence is currently insufficient to determine the role of this variant in disease. Therefore, it has been classified as a Variant of Uncertain Significance.

NM_001130009.3(GEN1):c.1376A>C (p.Gln459Pro)

Gene: GEN1 (GEN1 structure-specific endonuclease; plus strand). Cytogenetic location: 2p24.2.
Variant type: single nucleotide variant.
Coding change: c.1376A>C on transcript NM_001130009.3 (MANE Select); coding-DNA position 1376, A replaced by C.
Protein change: p.Gln459Pro; replaces glutamine 459 with proline.
Molecular consequence: missense variant.
Genome position (GRCh38, 1-based): chr2:17,780,089, A>C. VCF-style: chr2-17780089-A-C. GRCh37 (hg19) VCF-style: chr2-17961356-A-C.
Other names: c.1376A>C, p.Gln459Pro (NM_182625.5); short protein forms Q459P.
Identifiers: ClinVar variation 1436278 (VCV001436278.8), dbSNP rs763725122, ClinGen allele CA1540749.
Genomic context (GRCh38, chr2:17,780,089, plus strand): 5'-TTGAGGAAGAATCATTGTTTGAAGCAGCATATCCTGAGATCGTTGCTGTTTACCAAAAAC[A>C]AAAGTTAGAAATTAAAGGGAAGAAACAAAAACGTAAGTTTTGGGTTTGATAGCTATTTAT-3'
Protein context (NP_001123481.3, residues 449-469): YPEIVAVYQK[Gln459Pro]KLEIKGKKQK